The following is an entry in ClinVar:

NM_203447.4(DOCK8):c.1580T>C (p.Met527Thr)

Gene: DOCK8 (dedicator of cytokinesis 8; plus strand). Cytogenetic location: 9p24.3.
Variant type: single nucleotide variant.
Coding change: c.1580T>C on transcript NM_203447.4 (MANE Select); coding-DNA position 1580, T replaced by C.
Protein change: p.Met527Thr; replaces methionine 527 with threonine.
Molecular consequence: missense variant.
Genome position (GRCh38, 1-based): chr9:340,222, T>C. VCF-style: chr9-340222-T-C. GRCh37 (hg19) VCF-style: chr9-340222-T-C.
Other names: c.1376T>C, p.Met459Thr (NM_001190458.2, NM_001193536.2); short protein forms M459T, M527T.
Identifiers: ClinVar variation 1025336 (VCV001025336.6), dbSNP rs772153077, ClinGen allele CA4957792.
Genomic context (GRCh38, chr9:340,222, plus strand): 5'-TGCTAAGACTGGAGATTTCTACAGCTCCAGAGATCATCAATTGCTGTCTGACTCCTGAAA[T>C]GCTGCCCGTGAAACCCTTTCCTGAAAACCGGACACGCCCGCACAAAGAGATTTTGGAATT-3'
Protein context (NP_982272.2, residues 517-537): EIINCCLTPE[Met527Thr]LPVKPFPENR

ClinVar aggregate classification (germline): Uncertain significance (1 of 4 stars; one submission).

Conditions:
Combined immunodeficiency due to DOCK8 deficiency (HIES2). Also called: Hyper-IgE recurrent infection syndrome, autosomal recessive; DOCK8 Deficiency; HYPER-IgE RECURRENT INFECTION SYNDROME 2, AUTOSOMAL RECESSIVE; HYPER-IgE SYNDROME 2, AUTOSOMAL RECESSIVE, WITH RECURRENT INFECTIONS; HIES autosomal recessive. Identifiers: Orphanet 217390, MedGen C4722305, MONDO:0009478, OMIM 243700.

Allele frequency attached by ClinVar (database versions not stated): gnomAD exomes below 0.00001 and 0.00001; ExAC 0.00001; gnomAD 0.00001 and 0.00002; TOPMed 0.00002.
gnomAD v4.1: 17 of 1,614,066 alleles (0.0011%); highest among the groups gnomAD compares: Non-Finnish European, 0.0014%; no homozygotes.

Submission:

Labcorp Genetics (formerly Invitae), Labcorp
Classification: Uncertain significance for Combined immunodeficiency due to DOCK8 deficiency. Last evaluated: 2021-08-30. Review status: criteria provided, single submitter. Criteria: Invitae Variant Classification Sherloc (09022015). Collection method: clinical testing. Allele origin: germline.
Comment: This sequence change replaces methionine with threonine at codon 527 of the DOCK8 protein (p.Met527Thr). The methionine residue is moderately conserved and there is a moderate physicochemical difference between methionine and threonine. This variant is present in population databases (rs772153077, ExAC 0.01%). This variant has not been reported in the literature in individuals affected with DOCK8-related conditions. Algorithms developed to predict the effect of missense changes on protein structure and function are either unavailable or do not agree on the potential impact of this missense change (SIFT: "Deleterious"; PolyPhen-2: "Benign"; Align-GVGD: "Class C0"). In summary, the available evidence is currently insufficient to determine the role of this variant in disease. Therefore, it has been classified as a Variant of Uncertain Significance.